The following is an entry in ClinVar:

ClinVar aggregate classification (germline): Likely benign (1 of 4 stars; one submission).

Submission:

GeneDx
Classification: Likely benign. Last evaluated: 2021-11-08. Review status: criteria provided, single submitter. Criteria: GeneDx Variant Classification Process June 2021. Collection method: clinical testing. Allele origin: germline. Affected: yes.
Comment: See Variant Classification Assertion Criteria.

NM_000214.3(JAG1):c.-299AAG[1]

Gene: JAG1 (jagged canonical Notch ligand 1; minus strand). Cytogenetic location: 20p12.2.
Variant type: Microsatellite.
Coding change: c.-299AAG[1] on transcript NM_000214.3 (MANE Select); one copy of the 3-base unit AAG starting at c.-299; the reference has two copies in a row; one copy, 3 bases deleted.
Molecular consequence: 5 prime UTR variant.
Genome position (GRCh38, 1-based): chr20:10,673,824-10,673,826, CTT deleted on the plus strand (AAG on the coding strand, the reverse complement: JAG1 is on the minus strand); deleting any 3 consecutive bases within chr20:10,673,824-10,673,829 gives the same sequence; the position shown is the placement nearest the transcript's 3' end. VCF-style (leftmost placement, unchanged base first): chr20-10673823-CCTT-C. GRCh37 (hg19) VCF-style: chr20-10654471-CCTT-C.
Identifiers: ClinVar variation 337767 (VCV000337767.6), dbSNP rs147400796, ClinGen allele CA10652957.
Genomic context (GRCh38, chr20:10,673,823, plus strand): 5'-TCTTTGAGACGCTCCCCCTCCTCTTCCACCTCCCGGCTTTCTTTCCTTCTCTCGCGCTCC[CCTT>C]CTTTTATTATTATGATTATGCGCAGCCTTTTATTCCCTTTTAGATCAGCTGCATGGAAAA-3'